The following is an entry in ClinVar:

NM_004006.3(DMD):c.9224+5G>T

Gene: DMD (dystrophin; minus strand). Cytogenetic location: Xp21.2.
Variant type: single nucleotide variant.
Coding change: c.9224+5G>T on transcript NM_004006.3 (MANE Select); 5 bases into the intron after coding-DNA position 9224, G replaced by T.
Molecular consequence: intron variant.
Genome position (GRCh38, 1-based): chrX:31,323,593, C>A on the plus strand (G>T on the coding strand, the complement: DMD is on the minus strand). VCF-style: chrX-31323593-C-A. GRCh37 (hg19) VCF-style: chrX-31341710-C-A.
Other names: c.9200+5G>T (NM_000109.4); c.5201+5G>T (NM_004011.4); c.5192+5G>T (NM_004012.4); c.1844+5G>T (NM_004023.3, NM_004020.4, NM_004022.3 and 2 more transcripts); c.1037+5G>T (NM_004014.3); c.9212+5G>T (NM_004009.3); c.8855+5G>T (NM_004010.3).
Identifiers: ClinVar variation 526069 (VCV000526069.2), dbSNP rs1556503812, ClinGen allele CA658799639.

ClinVar aggregate classification (germline): Uncertain significance (1 of 4 stars; one submission).

Conditions:
Duchenne muscular dystrophy (DMD). Also called: Duchenne Muscular Dystrophy (DMD); MUSCULAR DYSTROPHY, PSEUDOHYPERTROPHIC PROGRESSIVE, DUCHENNE TYPE. Identifiers: Orphanet 98896, MedGen C0013264, MONDO:0010679, OMIM 310200.

Submission:

Labcorp Genetics (formerly Invitae), Labcorp
Classification: Uncertain significance for Duchenne muscular dystrophy. Last evaluated: 2017-09-11. Review status: criteria provided, single submitter. Criteria: Invitae Variant Classification Sherloc (09022015). Collection method: clinical testing. Allele origin: germline.
Comment: This sequence change falls in intron 62 of the DMD gene. It does not directly change the encoded amino acid sequence of the DMD protein, but it affects a nucleotide within the consensus splice site of the intron. This variant is not present in population databases (ExAC no frequency). This variant has not been reported in the literature in individuals with DMD-related disease. Nucleotide substitutions within the consensus splice site are a relatively common cause of aberrant splicing (PMID: 17576681, 9536098). Algorithms developed to predict the effect of sequence changes on RNA splicing suggest that this variant may disrupt the consensus splice site, but this prediction has not been confirmed by published transcriptional studies. In summary, the available evidence is currently insufficient to determine the role of this variant in disease. Therefore, it has been classified as a Variant of Uncertain Significance.

Literature cited by the submitters: PubMed 17576681; PubMed 9536098.